The following is an entry in ClinVar:

ClinVar aggregate classification (germline): Uncertain significance. Review status: criteria provided, multiple submitters, no conflicts (2 of 4 stars). 2 submissions from 2 submitters: Uncertain significance (2). Last evaluated 2025-06-03.

Conditions:
INPPL1-related disorder. Also called: INPPL1-related condition.

gnomAD v4.1: 44 of 1,611,866 alleles (0.0027%); highest among the groups gnomAD compares: South Asian, 0.03%; no homozygotes.

Submissions (2):

PreventionGenetics, part of Exact Sciences
Classification: Uncertain significance for INPPL1-related condition. Last evaluated: 2025-06-03. Review status: criteria provided, single submitter. Criteria: ACMG Guidelines, 2015. Collection method: clinical testing. Allele origin: germline.
Comment: The INPPL1 c.3431C>T variant is predicted to result in the amino acid substitution p.Ala1144Val. To our knowledge, this variant has not been reported in the literature. This variant is reported in 0.026% of alleles in individuals of South Asian descent in gnomAD. At this time, the clinical significance of this variant is uncertain due to the absence of conclusive functional and genetic evidence.

Labcorp Genetics (formerly Invitae), Labcorp
Classification: Uncertain significance. Last evaluated: 2022-04-16. Review status: criteria provided, single submitter. Criteria: Invitae Variant Classification Sherloc (09022015). Collection method: clinical testing. Allele origin: germline.
Comment: In summary, the available evidence is currently insufficient to determine the role of this variant in disease. Therefore, it has been classified as a Variant of Uncertain Significance. Algorithms developed to predict the effect of missense changes on protein structure and function output the following: SIFT: "Tolerated"; PolyPhen-2: "Benign"; Align-GVGD: "Class C0". The valine amino acid residue is found in multiple mammalian species, which suggests that this missense change does not adversely affect protein function. This variant has not been reported in the literature in individuals affected with INPPL1-related conditions. This variant is present in population databases (rs778488376, gnomAD 0.03%). This sequence change replaces alanine, which is neutral and non-polar, with valine, which is neutral and non-polar, at codon 1144 of the INPPL1 protein (p.Ala1144Val).

NM_001567.4(INPPL1):c.3431C>T (p.Ala1144Val)

Gene: INPPL1 (inositol polyphosphate phosphatase like 1; plus strand). Cytogenetic location: 11q13.4.
Variant type: single nucleotide variant.
Coding change: c.3431C>T on transcript NM_001567.4 (MANE Select); coding-DNA position 3431, C replaced by T.
Protein change: p.Ala1144Val; replaces alanine 1144 with valine.
Molecular consequence: missense variant.
Genome position (GRCh38, 1-based): chr11:72,237,675, C>T. VCF-style: chr11-72237675-C-T. GRCh37 (hg19) VCF-style: chr11-71948719-C-T.
Other names: c.3431C>T (NM_001567.3); short protein forms A1144V.
Identifiers: ClinVar variation 2151269 (VCV002151269.5), dbSNP rs778488376, ClinGen allele CA6170632.